The following is an entry in ClinVar:

ClinVar aggregate classification (germline): Pathogenic (1 of 4 stars; one submission).

Conditions:
Intellectual developmental disorder, X-linked 1. Also called: Atkin Flaitz Patil Smith syndrome; Intellectual disability, X-linked 1; MENTAL RETARDATION, X-LINKED 18; MENTAL RETARDATION, X-LINKED 78. Identifiers: Orphanet 777, MedGen C2931498, MONDO:0010656, OMIM 309530.

Submission:

Labcorp Genetics (formerly Invitae), Labcorp
Classification: Pathogenic for Intellectual developmental disorder, X-linked 1. Last evaluated: 2022-05-04. Review status: criteria provided, single submitter. Criteria: Invitae Variant Classification Sherloc (09022015). Collection method: clinical testing. Allele origin: germline.
Comment: This variant has not been reported in the literature in individuals affected with IQSEC2-related conditions. This variant is not present in population databases (gnomAD no frequency). This sequence change creates a premature translational stop signal (p.Glu477*) in the IQSEC2 gene. It is expected to result in an absent or disrupted protein product. Loss-of-function variants in IQSEC2 are known to be pathogenic (PMID: 21686261, 26793055, 27665735). For these reasons, this variant has been classified as Pathogenic.

Literature cited by the submitters: PubMed 21686261; PubMed 26793055; PubMed 27665735.

NM_001111125.3(IQSEC2):c.1429G>T (p.Glu477Ter)

Gene: IQSEC2 (IQ motif and Sec7 domain ArfGEF 2; minus strand). Cytogenetic location: Xp11.22.
Variant type: single nucleotide variant.
Coding change: c.1429G>T on transcript NM_001111125.3 (MANE Select); coding-DNA position 1429, G replaced by T.
Protein change: p.Glu477Ter; replaces glutamic acid 477 with a stop codon.
Molecular consequence: nonsense.
Genome position (GRCh38, 1-based): chrX:53,251,147, C>A on the plus strand (G>T on the coding strand, the complement: IQSEC2 is on the minus strand). VCF-style: chrX-53251147-C-A. GRCh37 (hg19) VCF-style: chrX-53280329-C-A.
Other names: c.1429G>T, p.Glu477Ter (NM_001410736.1); c.814G>T, p.Glu272Ter (NM_015075.2); short protein forms E477*, E272*.
Identifiers: ClinVar variation 2133622 (VCV002133622.4), dbSNP rs2147104281, ClinGen allele CA413166737.